The following is an entry in ClinVar:

NM_000257.4(MYH7):c.697G>T (p.Ala233Ser)

Gene: MYH7 (myosin heavy chain 7; minus strand). Cytogenetic location: 14q11.2.
Variant type: single nucleotide variant.
Coding change: c.697G>T on transcript NM_000257.4 (MANE Select); coding-DNA position 697, G replaced by T.
Protein change: p.Ala233Ser; replaces alanine 233 with serine.
Molecular consequence: missense variant.
Genome position (GRCh38, 1-based): chr14:23,431,620, C>A on the plus strand (G>T on the coding strand, the complement: MYH7 is on the minus strand). VCF-style: chr14-23431620-C-A. GRCh37 (hg19) VCF-style: chr14-23900829-C-A.
Other names: p.A233S:GCC>TCC; c.697G>T (LRG_384t1); short protein forms A233S.
Identifiers: ClinVar variation 181318 (VCV000181318.6), dbSNP rs730880848, ClinGen allele CA016631.
Genomic context (GRCh38, chr14:23,431,620, plus strand): 5'-AAGGCCAAGGTCAGGGACCACTCACGAAGCGGGAGGAGTTGTCGTTCCGGACGGTCTTGG[C>A]ATTGCCAAAGGCCTCCAGAGCAGGGTTGGCCTGGATGATCTGGTCCTCCAGGGTGCCCTG-3'
Protein context (NP_000248.2, residues 223-243): ANPALEAFGN[Ala233Ser]KTVRNDNSSR

ClinVar aggregate classification (germline): Uncertain significance. Review status: criteria provided, multiple submitters, no conflicts (2 of 4 stars). 3 submissions from 3 submitters: Uncertain significance (3). Last evaluated 2025-08-26.

Conditions:
Cardiomyopathy (CMYO). Also called: Cardiomyopathies. Identifiers: Orphanet 167848, MedGen C0878544, MONDO:0004994, HP:0001638. Inheritance: Various modes of inheritance.
Hypertrophic cardiomyopathy. Also called: HYPERTROPHIC MYOCARDIOPATHY. Identifiers: Orphanet 217569, MedGen C0007194, MeSH D002312, MONDO:0005045, HP:0001639.

Submissions (3):

Color Diagnostics, LLC DBA Color Health
Classification: Uncertain significance for Cardiomyopathy. Last evaluated: 2025-08-26. Review status: criteria provided, single submitter. Criteria: ACMG Guidelines, 2015. Collection method: clinical testing. Allele origin: germline.
Comment: This missense variant replaces alanine with serine at codon 233 of the MYH7 protein. Computational prediction suggests that this variant may have deleterious impact on protein structure and function. To our knowledge, functional studies have not been reported for this variant. This variant has been reported in individuals affected with hypertrophic cardiomyopathy (PMID: 16858239, 18533079, 25524337, 29710196, 30297972). This variant has not been identified in the general population by the Genome Aggregation Database (gnomAD). The available evidence is insufficient to determine the role of this variant in disease conclusively. Therefore, this variant is classified as a Variant of Uncertain Significance.

Labcorp Genetics (formerly Invitae), Labcorp
Classification: Uncertain significance for Hypertrophic cardiomyopathy. Last evaluated: 2024-11-26. Review status: criteria provided, single submitter. Criteria: Invitae Variant Classification Sherloc (09022015). Collection method: clinical testing. Allele origin: germline.
Comment: This sequence change replaces alanine, which is neutral and non-polar, with serine, which is neutral and polar, at codon 233 of the MYH7 protein (p.Ala233Ser). This variant is not present in population databases (gnomAD no frequency). This missense change has been observed in individual(s) with hypertrophic cardiomyopathy (PMID: 16858239, 27247418). ClinVar contains an entry for this variant (Variation ID: 181318). Invitae Evidence Modeling of protein sequence and biophysical properties (such as structural, functional, and spatial information, amino acid conservation, physicochemical variation, residue mobility, and thermodynamic stability) indicates that this missense variant is expected to disrupt MYH7 protein function with a positive predictive value of 95%. This variant is found within a region of MYH7 between codons 181 and 937 that contains the majority of the myosin head domain. Missense variants in this region have been shown to be significantly overrepresented in individuals with hypertrophic cardiomyopathy (PMID: 27532257). In summary, the available evidence is currently insufficient to determine the role of this variant in disease. Therefore, it has been classified as a Variant of Uncertain Significance.

GeneDx
Classification: Uncertain significance. Last evaluated: 2017-10-06. Review status: criteria provided, single submitter. Criteria: GeneDx Variant Classification (06012015). Collection method: clinical testing. Allele origin: germline. Affected: yes.
Comment: The A233S variant of uncertain significance in the MYH7 gene has been reported in association with HCM (Girolami et al., 2006; Olivotto et al., 2008; Homburger et al., 2016). However, no patient specific clinical information, segregation data, or details regarding co-occurring variants were provided. The A233S variant was not observed in large population cohorts (Lek et al., 2016), indicating it is not a common benign variant. This is a non-conservative amino acid substitution, which is likely to impact secondary protein structure as these residues differ in polarity, charge, size and/or other properties. This substitution occurs at a position that is conserved across species. Nevertheless, in silico analysis is inconsistent in its predictions as to whether or not the variant is damaging to the protein structure/function. Thus, the A233S variant lacks observation in a significant number of affected individuals, segregation data, and functional evidence, which would further clarify its pathogenicity. Therefore, based on the currently available information, it is unclear whether this variant is pathogenic or rare benign.

Literature cited by the submitters: PubMed 16858239 (cited by Color Diagnostics, LLC DBA Color Health and Labcorp Genetics (formerly Invitae), Labcorp); PubMed 18533079 (cited by Color Diagnostics, LLC DBA Color Health); PubMed 25524337 (cited by Color Diagnostics, LLC DBA Color Health); PubMed 29710196 (cited by Color Diagnostics, LLC DBA Color Health); PubMed 30297972 (cited by Color Diagnostics, LLC DBA Color Health); PubMed 27247418 (cited by Labcorp Genetics (formerly Invitae), Labcorp); PubMed 27532257 (cited by Labcorp Genetics (formerly Invitae), Labcorp).